The following is an entry in ClinVar:

NM_004655.4(AXIN2):c.1657T>G (p.Ser553Ala)

Gene: AXIN2 (axin 2; minus strand). Cytogenetic location: 17q24.1.
Variant type: single nucleotide variant.
Coding change: c.1657T>G on transcript NM_004655.4 (MANE Select); coding-DNA position 1657, T replaced by G.
Protein change: p.Ser553Ala; replaces serine 553 with alanine.
Molecular consequence: missense variant.
Genome position (GRCh38, 1-based): chr17:65,537,379, A>C on the plus strand (T>G on the coding strand, the complement: AXIN2 is on the minus strand). VCF-style: chr17-65537379-A-C. GRCh37 (hg19) VCF-style: chr17-63533497-A-C.
Other names: c.1657T>G, p.Ser553Ala (NM_001363813.1); short protein forms S553A.
Identifiers: ClinVar variation 2451646 (VCV002451646.2), dbSNP rs2509411560, ClinGen allele CA400676970.

ClinVar aggregate classification (germline): Uncertain significance (1 of 4 stars; one submission).

Conditions:
Hereditary cancer-predisposing syndrome. Also called: Neoplastic Syndromes, Hereditary; Tumor predisposition; Hereditary neoplastic syndrome; Hereditary Cancer Syndrome. Identifiers: Orphanet 140162, MedGen C0027672, MeSH D009386, MONDO:0015356.

Submission:

Ambry Genetics
Classification: Uncertain significance for Hereditary cancer-predisposing syndrome. Last evaluated: 2022-12-05. Review status: criteria provided, single submitter. Criteria: Ambry Variant Classification Scheme 2023. Collection method: clinical testing. Allele origin: germline.
Comment: The p.S553A variant (also known as c.1657T>G), located in coding exon 5 of the AXIN2 gene, results from a T to G substitution at nucleotide position 1657. The serine at codon 553 is replaced by alanine, an amino acid with similar properties. This amino acid position is conserved. In addition, this alteration is predicted to be tolerated by in silico analysis. Since supporting evidence is limited at this time, the clinical significance of this alteration remains unclear.